The following is an entry in ClinVar:

ClinVar aggregate classification (germline): Conflicting classifications of pathogenicity. Review status: criteria provided, conflicting classifications (1 of 4 stars). 3 submissions from 3 submitters: Uncertain significance (2); Likely benign (1). Last evaluated 2025-02-13.

Conditions:
MYPN-related myopathy (CMYO24). Also called: Nemaline myopathy 11, autosomal recessive. Identifiers: MedGen C4479186, MONDO:0015023, OMIM 617336.
Dilated cardiomyopathy 1KK (CMD1KK). Identifiers: Orphanet 154, Orphanet 75249, MedGen C3714995, MONDO:0014100, OMIM 615248.

Allele frequency attached by ClinVar (database versions not stated): gnomAD exomes below 0.00001; TOPMed below 0.00001.
gnomAD v4.1: 3 of 1,613,888 alleles (0.00019%); highest among the groups gnomAD compares: Admixed American, 0.0017%; no homozygotes.

Submissions (3):

Labcorp Genetics (formerly Invitae), Labcorp
Classification: Likely benign for Dilated cardiomyopathy 1KK. Last evaluated: 2025-02-13. Review status: criteria provided, single submitter. Criteria: Invitae Variant Classification Sherloc (09022015). Collection method: clinical testing. Allele origin: germline.

Fulgent Genetics
Classification: Uncertain significance for Dilated cardiomyopathy 1KK; MYPN-related myopathy. Last evaluated: 2024-04-09. Review status: criteria provided, single submitter. Criteria: ACMG Guidelines, 2015. Collection method: clinical testing. Allele origin: germline.

ARUP Laboratories, Molecular Genetics and Genomics, ARUP Laboratories
Classification: Uncertain significance. Last evaluated: 2019-05-26. Review status: criteria provided, single submitter. Criteria: ARUP Molecular Germline Variant Investigation Process. Collection method: clinical testing. Allele origin: germline.
Comment: The MYPN c.2565-17G>A variant (rs1334366122), to our knowledge, is not reported in the medical literature or gene-specific databases. This variant is found on a single chromosome (1/251128) in the Genome Aggregation Database, indicating it is not a common polymorphism. This is an intronic variant in a moderately conserved nucleotide, and computational analyses (Alamut v.2.11) predict that this variant may impact splicing by creating a novel cryptic donor splice site; however, RNA studies would be required to confirm this. Due to limited information, the clinical significance of the c.2565-17G>A variant is uncertain at this time.

NM_032578.4(MYPN):c.2565-17G>A

Gene: MYPN (myopalladin; plus strand). Cytogenetic location: 10q21.3.
Variant type: single nucleotide variant.
Coding change: c.2565-17G>A on transcript NM_032578.4 (MANE Select); 17 bases into the intron before coding-DNA position 2565, G replaced by A.
Molecular consequence: intron variant.
Genome position (GRCh38, 1-based): chr10:68,175,306, G>A. VCF-style: chr10-68175306-G-A. GRCh37 (hg19) VCF-style: chr10-69935063-G-A.
Other names: c.2565-17G>A (NM_001256267.2); c.1683-17G>A (NM_001256268.2).
Identifiers: ClinVar variation 811418 (VCV000811418.12), dbSNP rs1334366122, ClinGen allele CA593797546.